The following is an entry in ClinVar:

ClinVar aggregate classification (germline): Likely benign. Review status: criteria provided, multiple submitters, no conflicts (2 of 4 stars). 3 submissions from 3 submitters: Likely benign (2). 1 of the submissions does not count toward it. Last evaluated 2025-11-28.

Conditions:
KMT2D-related disorder. Also called: KMT2D-Related Disorders.
Kabuki syndrome. Also called: Kabuki make-up syndrome; NIIKAWA-KUROKI SYNDROME. Identifiers: Orphanet 2322, MedGen C0796004, MONDO:0016512.

Allele frequency attached by ClinVar (database versions not stated): gnomAD exomes 0.00001 and 0.00005; ExAC 0.00007; ESP Exome Variant Server 0.00008; gnomAD 0.00020 and 0.00021; TOPMed 0.00026.
gnomAD v4.1: 49 of 1,613,808 alleles (0.003%); highest among the groups gnomAD compares: African/African-American, 0.06%; no homozygotes.

Submissions (3):

Labcorp Genetics (formerly Invitae), Labcorp
Classification: Likely benign for Kabuki syndrome. Last evaluated: 2025-11-28. Review status: criteria provided, single submitter. Criteria: Invitae Variant Classification Sherloc (09022015). Collection method: clinical testing. Allele origin: germline.

Blueprint Genetics
Classification: Likely benign. Last evaluated: 2022-07-25. Review status: criteria provided, single submitter. Criteria: ACMG Guidelines, 2015. Collection method: clinical testing. Allele origin: germline.

PreventionGenetics, part of Exact Sciences
Classification: Likely benign for KMT2D-related condition. Last evaluated: 2021-03-19. Review status: no assertion criteria provided. Collection method: clinical testing. Allele origin: germline. Not counted in ClinVar's aggregate classification.
Comment: This variant is classified as likely benign based on ACMG/AMP sequence variant interpretation guidelines (Richards et al. 2015 PMID: 25741868, with internal and published modifications).

NM_003482.4(KMT2D):c.3717C>A (p.Ser1239=)

Genes: KMT2D (lysine methyltransferase 2D; minus strand), LOC126861520 (CDK7 strongly-dependent group 2 enhancer GRCh37_chr12:49442744-49443943; plus strand). Cytogenetic location: 12q13.12.
Variant type: single nucleotide variant.
Coding change: c.3717C>A on transcript NM_003482.4 (MANE Select); coding-DNA position 3717, C replaced by A.
Protein change: p.Ser1239=; no amino-acid change (serine 1239 retained).
Molecular consequence: synonymous variant.
Genome position (GRCh38, 1-based): chr12:49,049,871, G>T on the plus strand (C>A on the coding strand, the complement: KMT2D is on the minus strand). VCF-style: chr12-49049871-G-T. GRCh37 (hg19) VCF-style: chr12-49443654-G-T.
Other names: c.3717C>A (NM_003482.3).
Identifiers: ClinVar variation 1606412 (VCV001606412.11), dbSNP rs371257109, ClinGen allele CA6548003.
Genomic context (GRCh38, chr12:49,049,871, plus strand): 5'-GAGCCGTAGGGAGCCCTCATCTCGGGCTGGACTAACATCCGTAGAGACCCCCAACTCCAT[G>T]GACAGGGAGCCACCCCCCTCCGGGTCTGGAGAGCCCAGGAGGGGCTCTGAGCCAGGAAAA-3'
Protein context (NP_003473.3, residues 1229-1249): SPDPEGGGSL[Ser1239=]MELGVSTDVS